The following is an entry in ClinVar:

ClinVar aggregate classification (germline): Uncertain significance (1 of 4 stars; one submission).

Conditions:
Charcot-Marie-Tooth disease dominant intermediate B (CMTDIB). Also called: CHARCOT-MARIE-TOOTH NEUROPATHY, DOMINANT INTERMEDIATE B; Charcot-Marie-Tooth disease dominant intermediate 1; CMT DI1; Charcot-Marie-Tooth disease dominant intermediate I. Identifiers: Orphanet 100044, Orphanet 228179, MedGen C1847902, MONDO:0011674, OMIM 606482.

Submission:

Labcorp Genetics (formerly Invitae), Labcorp
Classification: Uncertain significance for Charcot-Marie-Tooth disease dominant intermediate B. Last evaluated: 2023-12-14. Review status: criteria provided, single submitter. Criteria: Invitae Variant Classification Sherloc (09022015). Collection method: clinical testing. Allele origin: germline.
Comment: This sequence change replaces glycine, which is neutral and non-polar, with valine, which is neutral and non-polar, at codon 786 of the DNM2 protein (p.Gly786Val). This variant is not present in population databases (gnomAD no frequency). This variant has not been reported in the literature in individuals affected with DNM2-related conditions. Advanced modeling of protein sequence and biophysical properties (such as structural, functional, and spatial information, amino acid conservation, physicochemical variation, residue mobility, and thermodynamic stability) has been performed at Invitae for this missense variant, however the output from this modeling did not meet the statistical confidence thresholds required to predict the impact of this variant on DNM2 protein function. In summary, the available evidence is currently insufficient to determine the role of this variant in disease. Therefore, it has been classified as a Variant of Uncertain Significance.

NM_001005361.3(DNM2):c.2357G>T (p.Gly786Val)

Gene: DNM2 (dynamin 2; plus strand). Cytogenetic location: 19p13.2.
Variant type: single nucleotide variant.
Coding change: c.2357G>T on transcript NM_001005361.3 (MANE Select); coding-DNA position 2357, G replaced by T.
Protein change: p.Gly786Val; replaces glycine 786 with valine.
Molecular consequence: missense variant.
Genome position (GRCh38, 1-based): chr19:10,830,192, G>T. VCF-style: chr19-10830192-G-T. GRCh37 (hg19) VCF-style: chr19-10940868-G-T.
Other names: c.2357G>T, p.Gly786Val (NM_001005360.3, NM_001190716.2); c.2345G>T, p.Gly782Val (NM_001005362.3, NM_004945.4); short protein forms G786V, G782V.
Identifiers: ClinVar variation 2785394 (VCV002785394.3), dbSNP rs2513376935, ClinGen allele CA404043786.